The following is an entry in ClinVar:

ClinVar aggregate classification (germline): Likely pathogenic. Review status: criteria provided, multiple submitters, no conflicts (2 of 4 stars). 4 submissions from 4 submitters: Likely pathogenic (3). 1 of the submissions does not count toward it. Last evaluated 2025-12-29.

Conditions:
Hereditary cancer-predisposing syndrome. Also called: Hereditary Cancer Syndrome; Hereditary neoplastic syndrome; Neoplastic Syndromes, Hereditary; Tumor predisposition. Identifiers: Orphanet 140162, MedGen C0027672, MeSH D009386, MONDO:0015356.
Hereditary breast ovarian cancer syndrome. Also called: BRCA1- and BRCA2-Associated Hereditary Breast and Ovarian Cancer; Hereditary breast and ovarian cancer syndrome; Hereditary breast and ovarian cancer syndrome (HBOC); Breast and ovarian cancer; Hereditary breast and/or ovarian cancer syndrome; Hereditary breast and ovarian cancer. Identifiers: Orphanet 145, MedGen C0677776, MeSH D061325, MONDO:0003582. Disease mechanism: loss of function.
Breast-ovarian cancer, familial, susceptibility to, 1 (BROVCA1). Also called: BRCA1 Hereditary Breast and Ovarian Cancer; OVARIAN CANCER, SUSCEPTIBILITY TO. Identifiers: Orphanet 145, MedGen C2676676, MONDO:0011450, OMIM 604370. Disease mechanism: loss of function.

gnomAD v4.1: 1 of 1,614,010 alleles (0.000062%); highest among the groups gnomAD compares: South Asian, 0.0011%; no homozygotes.

Submissions (5):

Center for Genomic Medicine, Rigshospitalet, Copenhagen University Hospital
Classification: Likely pathogenic. Last evaluated: 2025-12-29. Review status: criteria provided, single submitter. Criteria: ACMG Guidelines, 2015. Collection method: clinical testing. Allele origin: germline.
Comment: Classification criteria: PVS1, PM2_supporting, PP3

Women's Health and Genetics/Laboratory Corporation of America, LabCorp
Classification: Likely pathogenic for Hereditary breast and ovarian cancer syndrome. Last evaluated: 2018-08-13. Review status: criteria provided, single submitter. Criteria: LabCorp Variant Classification Summary - May 2015. Collection method: clinical testing. Allele origin: germline.
Comment: Variant summary: BRCA1 c.5527G>C (p.Ala1843Pro) results in a non-conservative amino acid change located in the BRCT domain of the encoded protein sequence. Five of five in-silico tools predict a damaging effect of the variant on protein function. The variant was absent in 246124 control chromosomes (gnomAD). c.5527G>C has been reported in the literature in an individual affected with Hereditary Breast and Ovarian Cancer (Sekine_2001). This data does not allow any conclusion about variant significance. Several functional studies have found the variant to be moderately destabilizing in multiple measures such as reduced protein stability, significantly decreased transcriptional activity, and homologous recombination (Lee_2010, Rowling_2010, Gaboriau_2015). A ClinVar submission from another clinical diagnostic laboratory (evaluation after 2014) cites the variant as "likely pathogenic." Based on the evidence outlined above, the variant was classified as likely pathogenic.

Ambry Genetics
Classification: Likely pathogenic for Hereditary cancer-predisposing syndrome. Last evaluated: 2016-09-07. Review status: criteria provided, single submitter. Criteria: Ambry Variant Classification Scheme 2023. Collection method: clinical testing. Allele origin: germline.
Comment: The p.A1843P variant (also known as c.5527G>C), located in coding exon 22 of the BRCA1 gene, results from a G to C substitution at nucleotide position 5527. The alanine at codon 1843 is replaced by proline, an amino acid with highly similar properties. Functional studies have demonstrated that this variant, which is located in the BRCT domain, results in a moderately destabilizing protein (Rowling PJ et al. J. Biol. Chem., 2010 Jun;285:20080-7; Lee MS et al. Cancer Res., 2010 Jun;70:4880-90). Based on internal structural analysis, this variant is anticipated to result in a significant decrease in structural stability (Clapperton JA et al. Nat Struct Mol Biol. 2004; 11(6):512-8; Ambry Internal Data). This variant was previously reported in the SNPDatabase as rs80357019, but was absent from population-based cohorts in the NHLBI Exome Sequencing Project (ESP) and 1000 Genomes Project databases. To date, this alteration has been detected with an allele frequency of approximately 0.0003% (greater than 300000 alleles tested) in our clinical cohort. This amino acid position is well conserved in available vertebrate species. In addition, this variant is predicted to be possibly damaging and deleterious by PolyPhen and SIFT, as well as other various in silico tools (Mirkovic N et al. Cancer Res., 2004 Jun;64:3790-7). Based on the majority of available evidence to date, this variant is likely to be pathogenic.

Breast Cancer Information Core (BIC) (BRCA1)
Classification: Uncertain significance for Breast-ovarian cancer, familial 1. Review status: no assertion criteria provided. Collection method: clinical testing. Allele origin: germline. Affected: yes. Observed: 1 variant allele. Not counted in ClinVar's aggregate classification.

Brotman Baty Institute, University of Washington
No classification provided (evidence only). Condition: Breast-ovarian cancer, familial 1. Review status: no classification provided. Collection method: in vitro. Allele origin: not applicable. Functional consequence: functionally_abnormal. Not counted in ClinVar's aggregate classification.
ClinVar note: "not provided" was previously submitted as the classification for the variant. However, the classification appeared to be based only on an observation of functional data so it was converted to no classification on 2025-07-30.

Literature cited by the submitters: PubMed 15172985 (cited by Center for Genomic Medicine, Rigshospitalet, Copenhagen University Hospital and Ambry Genetics); PubMed 30209399 (cited by Center for Genomic Medicine, Rigshospitalet, Copenhagen University Hospital); PubMed 30765603 (cited by Center for Genomic Medicine, Rigshospitalet, Copenhagen University Hospital); PubMed 15235020 (cited by Women's Health and Genetics/Laboratory Corporation of America, LabCorp and Ambry Genetics); PubMed 20378548 (cited by Women's Health and Genetics/Laboratory Corporation of America, LabCorp and Ambry Genetics); PubMed 17305420 (cited by Women's Health and Genetics/Laboratory Corporation of America, LabCorp and Ambry Genetics); PubMed 20516115 (cited by Women's Health and Genetics/Laboratory Corporation of America, LabCorp and Ambry Genetics); PubMed 25748678 (cited by Women's Health and Genetics/Laboratory Corporation of America, LabCorp); PubMed 11595708 (cited by Women's Health and Genetics/Laboratory Corporation of America, LabCorp); PubMed 12496477 (cited by Women's Health and Genetics/Laboratory Corporation of America, LabCorp and Ambry Genetics).

NM_007294.4(BRCA1):c.5527G>C (p.Ala1843Pro)

Gene: BRCA1 (BRCA1 DNA repair associated; minus strand). Cytogenetic location: 17q21.31.
Variant type: single nucleotide variant.
Coding change: c.5527G>C on transcript NM_007294.4 (MANE Select); coding-DNA position 5527, G replaced by C.
Protein change: p.Ala1843Pro; replaces alanine 1843 with proline.
Molecular consequence: missense variant. On other transcripts: 3 prime UTR variant (1), non-coding transcript variant (1).
Genome position (GRCh38, 1-based): chr17:43,045,743, C>G on the plus strand (G>C on the coding strand, the complement: BRCA1 is on the minus strand). VCF-style: chr17-43045743-C-G. GRCh37 (hg19) VCF-style: chr17-41197760-C-G.
Other names: c.5521G>C, p.Ala1841Pro (NM_001407636.1, NM_001407637.1, NM_001407638.1 and 13 more transcripts); c.5518G>C, p.Ala1840Pro (NM_001407644.1, NM_001407645.1); c.5515G>C, p.Ala1839Pro (NM_001407646.1); c.5446G>C, p.Ala1816Pro (NM_001407658.1, NM_001407656.1, NM_001407657.1); c.5443G>C, p.Ala1815Pro (NM_001407659.1, NM_001407660.1, NM_001407661.1 and 2 more transcripts); c.5404G>C, p.Ala1802Pro (NM_001407664.1, NM_001407665.1, NM_001407666.1 and 3 more transcripts); c.5401G>C, p.Ala1801Pro (NM_001407677.1, NM_001407678.1, NM_001407679.1 and 8 more transcripts); c.5398G>C, p.Ala1800Pro (NM_001407681.1, NM_001407682.1, NM_001407683.1 and 6 more transcripts); and 74 more; short protein forms A1843P, A1796P, A739P, A1864P, A1754P, A1801P, A1815P, A1817P.
Identifiers: ClinVar variation 55614 (VCV000055614.11), dbSNP rs80357019, ClinGen allele CA003697.